The following is an entry in ClinVar:

ClinVar aggregate classification (germline): Uncertain significance. Review status: criteria provided, multiple submitters, no conflicts (2 of 4 stars). 3 submissions from 3 submitters: Uncertain significance (3). Last evaluated 2026-05-05.

Conditions:
NTRK2-related disorder. Also called: NTRK2-related condition.

Submissions (3):

PreventionGenetics, part of Exact Sciences
Classification: Uncertain significance for NTRK2-related condition. Last evaluated: 2026-05-05. Review status: criteria provided, single submitter. Criteria: ACMG Guidelines, 2015. Collection method: clinical testing. Allele origin: germline.
Comment: The NTRK2 c.103T>C variant is predicted to result in the amino acid substitution p.Ser35Pro. To our knowledge, this variant has not been reported in the literature or in a large population database (gnomAD), indicating this variant is rare. At this time, the clinical significance of this variant is uncertain due to the absence of conclusive functional and genetic evidence.

Labcorp Genetics (formerly Invitae), Labcorp
Classification: Uncertain significance. Last evaluated: 2025-01-07. Review status: criteria provided, single submitter. Criteria: Invitae Variant Classification Sherloc (09022015). Collection method: clinical testing. Allele origin: germline.
Comment: This sequence change replaces serine, which is neutral and polar, with proline, which is neutral and non-polar, at codon 35 of the NTRK2 protein (p.Ser35Pro). This variant is not present in population databases (gnomAD no frequency). This variant has not been reported in the literature in individuals affected with NTRK2-related conditions. ClinVar contains an entry for this variant (Variation ID: 1327774). Invitae Evidence Modeling of protein sequence and biophysical properties (such as structural, functional, and spatial information, amino acid conservation, physicochemical variation, residue mobility, and thermodynamic stability) indicates that this missense variant is not expected to disrupt NTRK2 protein function with a negative predictive value of 80%. In summary, the available evidence is currently insufficient to determine the role of this variant in disease. Therefore, it has been classified as a Variant of Uncertain Significance.

GeneDx
Classification: Uncertain significance. Last evaluated: 2021-12-11. Review status: criteria provided, single submitter. Criteria: GeneDx Variant Classification Process June 2021. Collection method: clinical testing. Allele origin: germline. Affected: yes.
Comment: Not observed at significant frequency in large population cohorts (Lek et al., 2016); In silico analysis supports that this missense variant does not alter protein structure/function; Has not been previously published as pathogenic or benign to our knowledge

NM_006180.6(NTRK2):c.103T>C (p.Ser35Pro)

Gene: NTRK2 (neurotrophic receptor tyrosine kinase 2; plus strand). Cytogenetic location: 9q21.33.
Variant type: single nucleotide variant.
Coding change: c.103T>C on transcript NM_006180.6 (MANE Select); coding-DNA position 103, T replaced by C.
Protein change: p.Ser35Pro; replaces serine 35 with proline.
Molecular consequence: missense variant.
Genome position (GRCh38, 1-based): chr9:84,670,851, T>C. VCF-style: chr9-84670851-T-C. GRCh37 (hg19) VCF-style: chr9-87285766-T-C.
Other names: c.103T>C, p.Ser35Pro (NM_001007097.3, NM_001018064.3, NM_001018065.2 and 18 more transcripts); c.103T>C (NM_006180.4); short protein forms S35P.
Identifiers: ClinVar variation 1327774 (VCV001327774.6), dbSNP rs2131267111, ClinGen allele CA374004739.